The following is an entry in ClinVar:

ClinVar aggregate classification (germline): Uncertain significance. Review status: criteria provided, multiple submitters, no conflicts (2 of 4 stars). 2 submissions from 2 submitters: Uncertain significance (2). Last evaluated 2026-01-30.

Conditions:
Hereditary cancer-predisposing syndrome. Also called: Tumor predisposition; Neoplastic Syndromes, Hereditary; Hereditary neoplastic syndrome; Hereditary Cancer Syndrome. Identifiers: Orphanet 140162, MedGen C0027672, MeSH D009386, MONDO:0015356.
Ataxia-telangiectasia syndrome (AT). Also called: Ataxia-telangiectasia, complementation group D; AT, COMPLEMENTATION GROUP C; ATAXIA-TELANGIECTASIA, COMPLEMENTATION GROUP A; ATAXIA-TELANGIECTASIA, FRESNO VARIANT; Ataxia-telangiectasia; Ataxia telangiectasia (A-T). Identifiers: Orphanet 100, MedGen C0004135, MONDO:0008840, OMIM 208900.

Allele frequency attached by ClinVar (database versions not stated): gnomAD exomes below 0.00001.
gnomAD v4.1: 3 of 1,614,112 alleles (0.00019%); highest among the groups gnomAD compares: Non-Finnish European, 0.00025%; no homozygotes.

Submissions (2):

Labcorp Genetics (formerly Invitae), Labcorp
Classification: Uncertain significance for Ataxia-telangiectasia syndrome. Last evaluated: 2026-01-30. Review status: criteria provided, single submitter. Criteria: Invitae Variant Classification Sherloc (09022015). Collection method: clinical testing. Allele origin: germline.
Comment: This sequence change replaces serine, which is neutral and polar, with asparagine, which is neutral and polar, at codon 2375 of the ATM protein (p.Ser2375Asn). This variant is present in population databases (no rsID available, gnomAD 0.0009%). This variant has not been reported in the literature in individuals affected with ATM-related conditions. ClinVar contains an entry for this variant (Variation ID: 951335). Invitae Evidence Modeling of protein sequence and biophysical properties (such as structural, functional, and spatial information, amino acid conservation, physicochemical variation, residue mobility, and thermodynamic stability) indicates that this missense variant is not expected to disrupt ATM protein function with a negative predictive value of 95%. In summary, the available evidence is currently insufficient to determine the role of this variant in disease. Therefore, it has been classified as a Variant of Uncertain Significance.

Ambry Genetics
Classification: Uncertain significance for Hereditary cancer-predisposing syndrome. Last evaluated: 2025-05-10. Review status: criteria provided, single submitter. Criteria: Ambry Variant Classification Scheme 2023. Collection method: clinical testing. Allele origin: germline.
Comment: The p.S2375N variant (also known as c.7124G>A), located in coding exon 48 of the ATM gene, results from a G to A substitution at nucleotide position 7124. The serine at codon 2375 is replaced by asparagine, an amino acid with highly similar properties. This alteration has been reported in at least one subject in a study of 13087 breast cancer cases and 5488 control individuals in the UK (Decker B et al. J Med Genet, 2017 Nov;54:732-741). This amino acid position is not well conserved in available vertebrate species. In addition, this alteration is predicted to be tolerated by in silico analysis. Since supporting evidence is limited at this time, the clinical significance of this alteration remains unclear.

Literature cited by the submitters: PubMed 28779002 (cited by Ambry Genetics).

NM_000051.4(ATM):c.7124G>A (p.Ser2375Asn)

Genes: ATM (ATM serine/threonine kinase; plus strand), C11orf65 (chromosome 11 open reading frame 65; minus strand). Cytogenetic location: 11q22.3.
Variant type: single nucleotide variant.
Coding change: c.7124G>A on transcript NM_000051.4 (MANE Select); coding-DNA position 7124, G replaced by A.
Protein change: p.Ser2375Asn; replaces serine 2375 with asparagine.
Molecular consequence: missense variant. On other transcripts: intron variant (2).
Genome position (GRCh38, 1-based): chr11:108,329,055, G>A. VCF-style: chr11-108329055-G-A. GRCh37 (hg19) VCF-style: chr11-108199782-G-A.
Other names: c.7124G>A, p.Ser2375Asn (NM_001351834.2); c.641-19984C>T (NM_001330368.2); c.*38+6165C>T (NM_001351110.2); short protein forms S2375N.
Identifiers: ClinVar variation 951335 (VCV000951335.11), dbSNP rs1297882250, ClinGen allele CA382559451.